The following is an entry in ClinVar:

ClinVar aggregate classification (germline): Likely benign. Review status: criteria provided, multiple submitters, no conflicts (2 of 4 stars). 3 submissions from 3 submitters: Likely benign (2). 1 of the submissions does not count toward it. Last evaluated 2026-01-06.

Conditions:
CREBBP-related disorder. Also called: CREBBP-related condition; CREBBP-related disorders.
Rubinstein-Taybi syndrome (RSTS). Identifiers: Orphanet 783, MedGen C0035934, MONDO:0019188.

Allele frequency attached by ClinVar (database versions not stated): ExAC 0.00001; gnomAD 0.00006; TOPMed 0.00008.
gnomAD v4.1: 49 of 1,614,026 alleles (0.003%); highest among the groups gnomAD compares: African/African-American, 0.004%; no homozygotes.

Submissions (3):

Labcorp Genetics (formerly Invitae), Labcorp
Classification: Likely benign for Rubinstein-Taybi syndrome. Last evaluated: 2026-01-06. Review status: criteria provided, single submitter. Criteria: Invitae Variant Classification Sherloc (09022015). Collection method: clinical testing. Allele origin: germline.

Genetic Services Laboratory, University of Chicago
Classification: Likely benign. Last evaluated: 2013-02-08. Review status: criteria provided, single submitter. Criteria: ACMG Guidelines, 2007. Collection method: clinical testing. Allele origin: germline. Inheritance: Autosomal dominant inheritance.

PreventionGenetics, part of Exact Sciences
Classification: Likely benign for CREBBP-related condition. Last evaluated: 2023-11-29. Review status: no assertion criteria provided. Collection method: clinical testing. Allele origin: germline. Not counted in ClinVar's aggregate classification.
Comment: This variant is classified as likely benign based on ACMG/AMP sequence variant interpretation guidelines (Richards et al. 2015 PMID: 25741868, with internal and published modifications).

NM_004380.3(CREBBP):c.7293G>A (p.Thr2431=)

Gene: CREBBP (CREB binding lysine acetyltransferase; minus strand). Cytogenetic location: 16p13.3.
Variant type: single nucleotide variant.
Coding change: c.7293G>A on transcript NM_004380.3 (MANE Select); coding-DNA position 7293, G replaced by A.
Protein change: p.Thr2431=; no amino-acid change (threonine 2431 retained).
Molecular consequence: synonymous variant.
Genome position (GRCh38, 1-based): chr16:3,727,754, C>T on the plus strand (G>A on the coding strand, the complement: CREBBP is on the minus strand). VCF-style: chr16-3727754-C-T. GRCh37 (hg19) VCF-style: chr16-3777755-C-T.
Other names: c.7179G>A, p.Thr2393= (NM_001079846.1).
Identifiers: ClinVar variation 158401 (VCV000158401.12), dbSNP rs587783514, ClinGen allele CA171810.